The following is an entry in ClinVar:

ClinVar aggregate classification (germline): Uncertain significance (1 of 4 stars; one submission).

Conditions:
Glycogen storage disease type III (GSD3). Also called: Cori disease; FORBES DISEASE. Identifiers: Orphanet 366, MedGen C0017922, MONDO:0009291, OMIM 232400.

Allele frequency attached by ClinVar (database versions not stated): gnomAD exomes below 0.00001; ExAC 0.00001; gnomAD 0.00001.
gnomAD v4.1: 3 of 1,613,748 alleles (0.00019%); highest among the groups gnomAD compares: Non-Finnish European, 0.00025%; no homozygotes.

Submission:

Labcorp Genetics (formerly Invitae), Labcorp
Classification: Uncertain significance for Glycogen storage disease type III. Last evaluated: 2022-05-18. Review status: criteria provided, single submitter. Criteria: Invitae Variant Classification Sherloc (09022015). Collection method: clinical testing. Allele origin: germline.
Comment: This sequence change replaces serine, which is neutral and polar, with leucine, which is neutral and non-polar, at codon 171 of the AGL protein (p.Ser171Leu). This variant is present in population databases (rs760243154, gnomAD 0.0009%). This variant has not been reported in the literature in individuals affected with AGL-related conditions. Algorithms developed to predict the effect of missense changes on protein structure and function are either unavailable or do not agree on the potential impact of this missense change (SIFT: "Deleterious"; PolyPhen-2: "Probably Damaging"; Align-GVGD: "Class C0"). In summary, the available evidence is currently insufficient to determine the role of this variant in disease. Therefore, it has been classified as a Variant of Uncertain Significance.

NM_000642.3(AGL):c.512C>T (p.Ser171Leu)

Gene: AGL (amylo-alpha-1,6-glucosidase and 4-alpha-glucanotransferase; plus strand). Cytogenetic location: 1p21.2.
Variant type: single nucleotide variant.
Coding change: c.512C>T on transcript NM_000642.3 (MANE Select); coding-DNA position 512, C replaced by T.
Protein change: p.Ser171Leu; replaces serine 171 with leucine.
Molecular consequence: missense variant.
Genome position (GRCh38, 1-based): chr1:99,864,437, C>T. VCF-style: chr1-99864437-C-T. GRCh37 (hg19) VCF-style: chr1-100329993-C-T.
Other names: c.512C>T, p.Ser171Leu (NM_000028.3, NM_000643.3, NM_000644.3 and 3 more transcripts); c.464C>T, p.Ser155Leu (NM_000646.3); c.134C>T, p.Ser45Leu (NM_001425332.1); short protein forms S171L, S155L, S45L.
Identifiers: ClinVar variation 1402403 (VCV001402403.5), dbSNP rs760243154, ClinGen allele CA966201.